The following is an entry in ClinVar:

NM_024757.5(EHMT1):c.3062T>A (p.Ile1021Asn)

Gene: EHMT1 (euchromatic histone lysine methyltransferase 1; plus strand). Cytogenetic location: 9q34.3.
Variant type: single nucleotide variant.
Coding change: c.3062T>A on transcript NM_024757.5 (MANE Select); coding-DNA position 3062, T replaced by A.
Protein change: p.Ile1021Asn; replaces isoleucine 1021 with asparagine.
Molecular consequence: missense variant.
Genome position (GRCh38, 1-based): chr9:137,813,412, T>A. VCF-style: chr9-137813412-T-A. GRCh37 (hg19) VCF-style: chr9-140707864-T-A.
Other names: c.3041T>A, p.Ile1014Asn (NM_001354263.2); short protein forms I1021N, I1014N.
Identifiers: ClinVar variation 833830 (VCV000833830.12), dbSNP rs756487270, ClinGen allele CA5375156.

ClinVar aggregate classification (germline): Conflicting classifications of pathogenicity. Review status: criteria provided, conflicting classifications (1 of 4 stars). 3 submissions from 3 submitters: Uncertain significance (1); Likely benign (2). Last evaluated 2025-09-16.

Conditions:
Inborn genetic diseases. Identifiers: MedGen C0950123, MeSH D030342.
Kleefstra syndrome 1 (KLEFS1). Identifiers: Orphanet 261494, MedGen C0795833, MONDO:0027407, OMIM 610253.

Allele frequency attached by ClinVar (database versions not stated): ExAC 0.00002; gnomAD exomes 0.00002 and 0.00006; TOPMed 0.00002; gnomAD 0.00005 and 0.00006.
gnomAD v4.1: 90 of 1,613,090 alleles (0.0056%); highest among the groups gnomAD compares: Non-Finnish European, 0.007%; no homozygotes.

Submissions (3):

Labcorp Genetics (formerly Invitae), Labcorp
Classification: Likely benign for Kleefstra syndrome 1. Last evaluated: 2025-09-16. Review status: criteria provided, single submitter. Criteria: Invitae Variant Classification Sherloc (09022015). Collection method: clinical testing. Allele origin: germline.

Ambry Genetics
Classification: Likely benign for Inborn genetic diseases. Last evaluated: 2025-09-11. Review status: criteria provided, single submitter. Criteria: Ambry Variant Classification Scheme 2023. Collection method: clinical testing. Allele origin: germline.

Women's Health and Genetics/Laboratory Corporation of America, LabCorp
Classification: Uncertain significance. Last evaluated: 2024-11-18. Review status: criteria provided, single submitter. Criteria: LabCorp Variant Classification Summary - May 2015. Collection method: clinical testing. Allele origin: germline.
Comment: Variant summary: EHMT1 c.3062T>A (p.Ile1021Asn) results in a non-conservative amino acid change located in the SET domain (IPR046341) of the encoded protein sequence. Three of five in-silico tools predict a benign effect of the variant on protein function. The variant allele was found at a frequency of 1.6e-05 in 249144 control chromosomes, predominantly at a frequency of 3.5e-05 within the Non-Finnish European subpopulation in the gnomAD database. The available data on variant occurrences in the general population are insufficient to allow any conclusion about variant significance. To our knowledge, no occurrence of c.3062T>A in individuals affected with Kleefstra Syndrome 1 and no experimental evidence demonstrating its impact on protein function have been reported. ClinVar contains an entry for this variant (Variation ID: 833830). Based on the evidence outlined above, the variant was classified as uncertain significance.